The following is an entry in ClinVar:

NM_032638.5(GATA2):c.634A>G (p.Lys212Glu)

Gene: GATA2 (GATA binding protein 2; minus strand). Cytogenetic location: 3q21.3.
Variant type: single nucleotide variant.
Coding change: c.634A>G on transcript NM_032638.5 (MANE Select); coding-DNA position 634, A replaced by G.
Protein change: p.Lys212Glu; replaces lysine 212 with glutamic acid.
Molecular consequence: missense variant.
Genome position (GRCh38, 1-based): chr3:128,485,964, T>C on the plus strand (A>G on the coding strand, the complement: GATA2 is on the minus strand). VCF-style: chr3-128485964-T-C. GRCh37 (hg19) VCF-style: chr3-128204807-T-C.
Other names: c.634A>G, p.Lys212Glu (NM_001145661.2, NM_001145662.1); short protein forms K212E.
Identifiers: ClinVar variation 4789523 (VCV004789523.1).

ClinVar aggregate classification (germline): Uncertain significance (1 of 4 stars; one submission).

Conditions:
Monocytopenia with susceptibility to infections. Also called: MONOCYTOPENIA AND MYCOBACTERIAL INFECTION SYNDROME; MONOCYTOPENIA WITH SUSCEPTIBILITY TO MYCOBACTERIAL, FUNGAL, AND PAPILLOMAVIRUS INFECTIONS AND MYELODYSPLASIA; COMBINED IMMUNODEFICIENCY WITH SUSCEPTIBILITY TO MYCOBACTERIAL, VIRAL, AND FUNGAL INFECTIONS; Dendritic cell, monocyte, B lymphocyte, and natural killer lymphocyte deficiency; IMMUNODEFICIENCY 21; GATA2 DEFICIENCY. Identifiers: Orphanet 228423, MedGen C3280030, MONDO:0013607, OMIM 614172.
Deafness-lymphedema-leukemia syndrome. Also called: Lymphedema, primary, with myelodysplasia; Emberger syndrome. Identifiers: Orphanet 3226, MedGen C3279664, MONDO:0013540, OMIM 614038.

gnomAD v4.1: 1 of 1,614,178 alleles (0.000062%); highest among the groups gnomAD compares: Non-Finnish European, 0.000085%; no homozygotes.

Submission:

Labcorp Genetics (formerly Invitae), Labcorp
Classification: Uncertain significance for Monocytopenia with susceptibility to infections; Deafness-lymphedema-leukemia syndrome. Last evaluated: 2025-10-23. Review status: criteria provided, single submitter. Criteria: Invitae Variant Classification Sherloc (09022015). Collection method: clinical testing. Allele origin: germline.
Comment: This sequence change replaces lysine, which is basic and polar, with glutamic acid, which is acidic and polar, at codon 212 of the GATA2 protein (p.Lys212Glu). This variant is not present in population databases (gnomAD no frequency). This variant has not been reported in the literature in individuals affected with GATA2-related conditions. Invitae Evidence Modeling of protein sequence and biophysical properties (such as structural, functional, and spatial information, amino acid conservation, physicochemical variation, residue mobility, and thermodynamic stability) has been performed for this missense variant. However, the output from this modeling did not meet the statistical confidence thresholds required to predict the impact of this variant on GATA2 protein function. In summary, the available evidence is currently insufficient to determine the role of this variant in disease. Therefore, it has been classified as a Variant of Uncertain Significance.